The following is an entry in ClinVar:

ClinVar aggregate classification (germline): Pathogenic/Likely pathogenic. Review status: criteria provided, multiple submitters, no conflicts (2 of 4 stars). 10 submissions from 10 submitters: Pathogenic (2); Likely pathogenic (7). 1 of the submissions does not count toward it. Last evaluated 2026-03-27.

Conditions:
DSP-related disorder. Also called: DSP-related disorders; DSP-related condition.
Palmoplantar keratodermas.
Arrhythmogenic right ventricular dysplasia 8 (ARVD8). Also called: ARRHYTHMOGENIC RIGHT VENTRICULAR CARDIOMYOPATHY 8; Arrhythmogenic Right Ventricular Dysplasia/Cardiomyopathy 8; ARRHYTHMOGENIC RIGHT VENTRICULAR DYSPLASIA, FAMILIAL, 8. Identifiers: MedGen C1843896, MONDO:0011831, OMIM 607450.
Arrhythmogenic cardiomyopathy with wooly hair and keratoderma. Also called: Carvajal syndrome; Dilated cardiomyopathy with woolly hair and keratoderma; PALMOPLANTAR KERATODERMA WITH LEFT VENTRICULAR CARDIOMYOPATHY AND WOOLLY HAIR; Arrhythmogenic cardiomyopathy with woolly hair and keratoderma. Identifiers: Orphanet 65282, MedGen C1854063, MONDO:0011581, OMIM 605676.

Allele frequency attached by ClinVar (database versions not stated): gnomAD exomes below 0.00001.
gnomAD v4.1: 5 of 1,614,106 alleles (0.00031%); highest among the groups gnomAD compares: Admixed American, 0.0017%; no homozygotes.

Submissions (10):

GeneDx
Classification: Likely pathogenic. Last evaluated: 2026-03-27. Review status: criteria provided, single submitter. Criteria: GeneDx Variant Classification Process June 2021. Collection method: clinical testing. Allele origin: germline.
Comment: Identified in a patient with DCM in published literature (PMID: 36264615); Not observed at significant frequency in large population cohorts (gnomAD); In silico analysis supports that this missense variant has a deleterious effect on protein structure/function; This variant is associated with the following publications: (PMID: 20738328, 36264615)

Genetics Laboratory, Great Ormond Street Hospital NHS Foundation Trust, North Thames Genomic Laboratory Hub
Classification: Likely pathogenic for Palmoplantar keratodermas. Last evaluated: 2026-03-03. Review status: criteria provided, single submitter. Criteria: ACGS Best Practice Guidelines for Variant Classification in Rare Disease 2024 v1.2. Collection method: clinical testing. Allele origin: germline. Affected: yes.
Comment: PM2_moderate, PP3_supporting, PM3_strong

Genomic Medicine Center of Excellence, King Faisal Specialist Hospital and Research Centre
Classification: Likely pathogenic for Arrhythmogenic cardiomyopathy with wooly hair and keratoderma. Last evaluated: 2024-03-17. Review status: criteria provided, single submitter. Criteria: ACMG Guidelines, 2015. Collection method: research. Allele origin: germline.

Institute of Human Genetics, University of Leipzig Medical Center
Classification: Pathogenic for Arrhythmogenic cardiomyopathy with wooly hair and keratoderma. Last evaluated: 2024-01-15. Review status: criteria provided, single submitter. Criteria: ACMG Guidelines, 2015. Collection method: clinical testing. Allele origin: inherited. Inheritance: Autosomal recessive inheritance. Affected: yes.
Comment: Criteria applied: PP1_STR,PM3,PM5,PM2_SUP,PP3,PP4

Labcorp Genetics (formerly Invitae), Labcorp
Classification: Pathogenic for Arrhythmogenic cardiomyopathy with wooly hair and keratoderma; Arrhythmogenic right ventricular dysplasia 8. Last evaluated: 2023-11-11. Review status: criteria provided, single submitter. Criteria: Invitae Variant Classification Sherloc (09022015). Collection method: clinical testing. Allele origin: germline.
Comment: This sequence change replaces arginine, which is basic and polar, with histidine, which is basic and polar, at codon 2366 of the DSP protein (p.Arg2366His). This variant is present in population databases (rs387906618, gnomAD 0.003%). This missense change has been observed in individual(s) with autosomal recessive skin fragility–woolly hair syndrome (PMID: 20738328). It has also been observed to segregate with disease in related individuals. ClinVar contains an entry for this variant (Variation ID: 29672). An algorithm developed to predict the effect of missense changes on protein structure and function (PolyPhen-2) suggests that this variant is likely to be disruptive. This variant disrupts the p.Arg2366 amino acid residue in DSP. Other variant(s) that disrupt this residue have been observed in individuals with DSP-related conditions (PMID: 11841538), which suggests that this may be a clinically significant amino acid residue. For these reasons, this variant has been classified as Pathogenic.

Human Genome Sequencing Center Clinical Lab, Baylor College of Medicine
Classification: Likely pathogenic for Cardiomyopathy, dilated, with woolly hair and keratoderma. Last evaluated: 2023-10-04. Review status: criteria provided, single submitter. Criteria: ACMG Guidelines, 2015. Collection method: clinical testing. Allele origin: unknown.

3billion
Classification: Likely pathogenic for Arrhythmogenic cardiomyopathy with wooly hair and keratoderma. Last evaluated: 2023-06-30. Review status: criteria provided, single submitter. Criteria: ACMG Guidelines, 2015. Collection method: clinical testing. Allele origin: germline. Affected: yes.
Comment: The variant is observed at an extremely low frequency in the gnomAD v2.1.1 dataset (total allele frequency: <0.001%). Predicted Consequence/Location: Protein truncation variants are a common disease-causing mechanism. In silico tool predictions suggest damaging effect of the variant on gene or gene product (REVEL: 0.80; 3Cnet: 0.20). Same nucleotide change resulting in same amino acid change has been previously reported to be associated with DSP related disorder (ClinVar ID: VCV000029672 /PMID: 20738328). The variant has been reported to be in trans with a pathogenic variant as either compound heterozygous or homozygous in at least one similarly affected unrelated individual (PMID: 20738328). The variant has been reported to co-segregate with the disease in at least 3 similarly affected relatives/individuals in the same family or similarly affected unrelated family (PMID: 20738328). A different missense change at the same codon (p.Arg2366Cys) has been reported to be associated with DSP related disorder (ClinVar ID: VCV000016841 /PMID: 11841538). However the evidence of pathogenicity is insufficient at this time. Therefore, this variant is classified as Likely pathogenic according to the recommendation of ACMG/AMP guideline.

Blueprint Genetics
Classification: Likely pathogenic for DSP-related disorders. Last evaluated: 2022-05-05. Review status: criteria provided, single submitter. Criteria: ACMG Guidelines, 2015. Collection method: clinical testing. Allele origin: germline. Affected: yes. Observed: 1 variant allele.

Institute for Medical Genetics and Human Genetics, Charité - Universitätsmedizin Berlin
Classification: Likely pathogenic for Arrhythmogenic cardiomyopathy with wooly hair and keratoderma. Review status: criteria provided, single submitter. Criteria: ACMG Guidelines, 2015. Collection method: not provided. Allele origin: germline. Inheritance: Autosomal recessive inheritance. Affected: yes.

OMIM
Classification: Pathogenic for CARDIOMYOPATHY, DILATED, WITH WOOLLY HAIR AND KERATODERMA. Last evaluated: 2011-07-01. Review status: no assertion criteria provided. Collection method: literature only. Allele origin: germline. Not counted in ClinVar's aggregate classification.

Literature cited by the submitters: PubMed 20738328 (cited by 3 submitters); PubMed 11841538 (cited by Labcorp Genetics (formerly Invitae), Labcorp and 3billion).

NM_004415.4(DSP):c.7097G>A (p.Arg2366His)

Gene: DSP (desmoplakin; plus strand). Cytogenetic location: 6p24.3.
Variant type: single nucleotide variant.
Coding change: c.7097G>A on transcript NM_004415.4 (MANE Select); coding-DNA position 7097, G replaced by A.
Protein change: p.Arg2366His; replaces arginine 2366 with histidine.
Molecular consequence: missense variant.
Genome position (GRCh38, 1-based): chr6:7,584,359, G>A. VCF-style: chr6-7584359-G-A. GRCh37 (hg19) VCF-style: chr6-7584592-G-A.
Other names: c.5300G>A, p.Arg1767His (NM_001008844.3); c.5768G>A, p.Arg1923His (NM_001319034.2); c.7097G>A (NM_004415.2); short protein forms R2366H, R1767H, R1923H.
Identifiers: ClinVar variation 29672 (VCV000029672.16), dbSNP rs387906618, ClinGen allele CA007120.
Genomic context (GRCh38, chr6:7,584,359, plus strand): 5'-ACATCATCTCTTTGTTCCAAGCCATGAATAAGGAACTCATCGAAAAGGGCCACGGTATTC[G>A]CTTATTAGAAGCACAGATCGCAACCGGGGGGATCATTGACCCAAAGGAGAGCCATCGTTT-3'
Protein context (NP_004406.2, residues 2356-2376): KELIEKGHGI[Arg2366His]LLEAQIATGG